The following is an entry in ClinVar:

NM_000295.5(SERPINA1):c.381C>T (p.Leu127=)

Gene: SERPINA1 (serpin family A member 1; minus strand). Cytogenetic location: 14q32.13.
Variant type: single nucleotide variant.
Coding change: c.381C>T on transcript NM_000295.5 (MANE Select); coding-DNA position 381, C replaced by T.
Protein change: p.Leu127=; no amino-acid change (leucine 127 retained).
Molecular consequence: synonymous variant.
Genome position (GRCh38, 1-based): chr14:94,382,857, G>A on the plus strand (C>T on the coding strand, the complement: SERPINA1 is on the minus strand). VCF-style: chr14-94382857-G-A. GRCh37 (hg19) VCF-style: chr14-94849194-G-A.
Other names: c.381C>T, p.Leu127= (NM_001002235.3, NM_001002236.3, NM_001127700.2 and 7 more transcripts); c.381C>T (NM_000295.4).
Identifiers: ClinVar variation 597607 (VCV000597607.6), dbSNP rs372438611, ClinGen allele CA7327507.

ClinVar aggregate classification (germline): Uncertain significance. Review status: criteria provided, single submitter (1 of 4 stars). 2 submissions from 2 submitters: Uncertain significance (1). 1 of the submissions does not count toward it. Last evaluated 2018-06-29.

Conditions:
SERPINA1-related disorder. Also called: SerpinA1-related disorders; SERPINA1-related condition.

Allele frequency attached by ClinVar (database versions not stated): gnomAD exomes below 0.00001 and 0.00001; ExAC 0.00002; gnomAD 0.00003 and 0.00004; TOPMed 0.00004; ESP Exome Variant Server 0.00008.
gnomAD v4.1: 10 of 1,614,072 alleles (0.00062%); highest among the groups gnomAD compares: African/African-American, 0.012%; no homozygotes.

Submissions (2):

Eurofins Ntd Llc (ga)
Classification: Uncertain significance. Last evaluated: 2018-06-29. Review status: criteria provided, single submitter. Criteria: EGL ClinVar v180209 classification definitions. Collection method: clinical testing. Allele origin: germline. Observed: 1 variant allele, 1 heterozygote.

PreventionGenetics, part of Exact Sciences
Classification: Likely benign for SERPINA1-related condition. Last evaluated: 2024-08-20. Review status: no assertion criteria provided. Collection method: clinical testing. Allele origin: germline. Not counted in ClinVar's aggregate classification.
Comment: This variant is classified as likely benign based on ACMG/AMP sequence variant interpretation guidelines (Richards et al. 2015 PMID: 25741868, with internal and published modifications).